The following is an entry in ClinVar:

ClinVar aggregate classification (germline): Uncertain significance (1 of 4 stars; one submission).

Submission:

GeneDx
Classification: Uncertain significance. Last evaluated: 2024-04-29. Review status: criteria provided, single submitter. Criteria: GeneDx Variant Classification Process June 2021. Collection method: clinical testing. Allele origin: germline. Affected: yes.
Comment: Not observed at significant frequency in large population cohorts (gnomAD); In-frame deletion of 1 amino acid in a non-repeat region; In silico analysis supports a deleterious effect on protein structure/function; Has not been previously published as pathogenic or benign to our knowledge

NM_152703.5(SAMD9L):c.3973GAG[1] (p.Glu1326del)

Gene: SAMD9L (sterile alpha motif domain containing 9 like; minus strand). Cytogenetic location: 7q21.2.
Variant type: Microsatellite.
Coding change: c.3973GAG[1] on transcript NM_152703.5 (MANE Select); one copy of the 3-base unit GAG starting at c.3973; the reference has two copies in a row; one copy, 3 bases deleted.
Protein change: p.Glu1326del; deletes glutamic acid 1326.
Genome position (GRCh38, 1-based): chr7:93,131,994-93,131,996, CTC deleted on the plus strand (GAG on the coding strand, the reverse complement: SAMD9L is on the minus strand); deleting any 3 consecutive bases within chr7:93,131,994-93,132,001 gives the same sequence; the position shown is the placement nearest the transcript's 3' end. VCF-style (leftmost placement, unchanged base first): chr7-93131993-TCTC-T. GRCh37 (hg19) VCF-style: chr7-92761306-TCTC-T.
Other names: c.3973GAG[1], p.Glu1326del (NM_001303496.3, NM_001303497.3, NM_001303498.3 and 5 more transcripts); short protein forms E1326del.
Identifiers: ClinVar variation 3371978 (VCV003371978.1).